The following is an entry in ClinVar:

GRCh37/hg19 6p22.1(chr6:29718763-29760628)x3

Variant type: copy number gain.
Change: copy number 3 (three copies instead of two) of chr6:29,718,763-29,760,628 (41.9 kb, GRCh37 coordinates, 1-based), cytogenetic band 6p22.1.
Identifiers: ClinVar variation 394195 (VCV000394195.3).

ClinVar aggregate classification (germline): Benign/Likely benign (0 of 4 stars; one submission).

Submission:

ISCA Site 6
Classification: Benign/Likely benign. Review status: no assertion criteria provided. Collection method: clinical testing. Allele origin: unknown. Affected: yes. Observed: 2 variant alleles.
Comment: Likely benign (1), Benign (1)

Copy number variation identified through the course of routine clinical cytogenomic testing in postnatal populations, with clinical assertions as classified by the original submitter. For data from the original published study, Kaminsky, et al. 2011 (PubMed 21844811), please see nstd101.